The following is an entry in ClinVar:

ClinVar aggregate classification (germline): Uncertain significance (1 of 4 stars; one submission).

gnomAD v4.1: 1 of 1,614,130 alleles (0.000062%); no homozygotes.

Submission:

Labcorp Genetics (formerly Invitae), Labcorp
Classification: Uncertain significance. Last evaluated: 2025-10-21. Review status: criteria provided, single submitter. Criteria: Invitae Variant Classification Sherloc (09022015). Collection method: clinical testing. Allele origin: germline.
Comment: This sequence change replaces lysine, which is basic and polar, with glutamic acid, which is acidic and polar, at codon 150 of the ACVR1 protein (p.Lys150Glu). This variant is not present in population databases (gnomAD no frequency). This variant has not been reported in the literature in individuals affected with ACVR1-related conditions. An algorithm developed to predict the effect of missense changes on protein structure and function (PolyPhen-2) suggests that this variant is likely to be tolerated. In summary, the available evidence is currently insufficient to determine the role of this variant in disease. Therefore, it has been classified as a Variant of Uncertain Significance.

NM_001111067.4(ACVR1):c.448A>G (p.Lys150Glu)

Gene: ACVR1 (activin A receptor type 1; minus strand). Cytogenetic location: 2q24.1.
Variant type: single nucleotide variant.
Coding change: c.448A>G on transcript NM_001111067.4 (MANE Select); coding-DNA position 448, A replaced by G.
Protein change: p.Lys150Glu; replaces lysine 150 with glutamic acid.
Molecular consequence: missense variant.
Genome position (GRCh38, 1-based): chr2:157,778,226, T>C on the plus strand (A>G on the coding strand, the complement: ACVR1 is on the minus strand). VCF-style: chr2-157778226-T-C. GRCh37 (hg19) VCF-style: chr2-158634738-T-C.
Other names: c.448A>G, p.Lys150Glu (NM_001105.5, NM_001347663.1, NM_001347664.1 and 3 more transcripts); short protein forms K150E.
Identifiers: ClinVar variation 4729573 (VCV004729573.1).